The following is an entry in ClinVar:

ClinVar aggregate classification (germline): Likely pathogenic (1 of 4 stars; one submission).

Conditions:
Microphthalmia, syndromic 12 (MCOPS12). Also called: MICROPHTHALMIA WITH OR WITHOUT PULMONARY HYPOPLASIA, DIAPHRAGMATIC HERNIA, AND/OR CARDIAC DEFECTS. Identifiers: Orphanet 2470, Orphanet 689829, MedGen C3809803, MONDO:0014229, OMIM 615524.

Submission:

3billion
Classification: Likely pathogenic for Microphthalmia, syndromic 12. Last evaluated: 2023-12-12. Review status: criteria provided, single submitter. Criteria: ACMG Guidelines, 2015. Collection method: clinical testing. Allele origin: germline. Affected: yes.
Comment: The variant is not observed in the gnomAD v2.1.1 dataset. Predicted Consequence/Location: Frameshift: predicted to result in a loss or disruption of normal protein function through protein truncation. Multiple pathogenic variants are reported in the predicted truncated region. None. Therefore, this variant is classified as Likely pathogenic according to the recommendation of ACMG/AMP guideline.

NM_000965.5(RARB):c.1205_1206del (p.Leu402fs)

Gene: RARB (retinoic acid receptor beta; plus strand). Cytogenetic location: 3p24.2.
Variant type: Microsatellite.
Coding change: c.1205_1206del on transcript NM_000965.5 (MANE Select); coding-DNA positions 1205 to 1206, 2 bases deleted (TC; older notation c.1205_1206delTC).
Protein change: p.Leu402fs; shifts the reading frame from leucine 402.
Molecular consequence: frameshift variant. On other transcripts: non-coding transcript variant (2).
Genome position (GRCh38, 1-based): chr3:25,596,474-25,596,475, TC deleted; deleting any 2 consecutive bases within chr3:25,596,471-25,596,475 gives the same sequence; the c. name uses the placement nearest the transcript's 3' end. VCF-style (leftmost placement, unchanged base first): chr3-25596470-CCT-C. GRCh37 (hg19) VCF-style: chr3-25637961-CCT-C.
Other names: c.1226_1227del, p.Leu409fs (NM_001290216.3); c.869_870del, p.Leu290fs (NM_001290217.2, NM_001290276.2, NM_016152.4); c.1058_1059del, p.Leu353fs (NM_001290266.2); c.1067_1068del, p.Leu356fs (NM_001290277.1); c.1076_1077del, p.Leu359fs (NM_001290300.2); short protein forms L290fs, L353fs, L356fs, L359fs, L402fs, L409fs.
Identifiers: ClinVar variation 3776082 (VCV003776082.1).